The following is an entry in ClinVar:

ClinVar aggregate classification (germline): Pathogenic (1 of 4 stars; one submission).

Conditions:
Marfan syndrome (MFS). Also called: MARFAN SYNDROME, TYPE I; FBN1-Related Marfan Syndrome; Marfan syndrome type 1; Marfan's syndrome; Marfan syndrome, classic. Identifiers: Orphanet 284963, Orphanet 558, MedGen C0024796, MONDO:0007947, OMIM 154700.
Familial thoracic aortic aneurysm and aortic dissection (TAAD). Also called: Thoracic aortic aneurysms and dissections. Identifiers: Orphanet 91387, MedGen C4707243, MONDO:0019625.

Submission:

Labcorp Genetics (formerly Invitae), Labcorp
Classification: Pathogenic for Marfan syndrome; Familial thoracic aortic aneurysm and aortic dissection. Last evaluated: 2019-02-22. Review status: criteria provided, single submitter. Criteria: Invitae Variant Classification Sherloc (09022015). Collection method: clinical testing. Allele origin: germline.
Comment: For these reasons, this variant has been classified as Pathogenic. Donor and acceptor splice site variants typically lead to a loss of protein function (PMID: 16199547), and loss-of-function variants in FBN1 are known to be pathogenic (PMID: 17657824, 19293843). Algorithms developed to predict the effect of sequence changes on RNA splicing suggest that this variant may disrupt the consensus splice site, but this prediction has not been confirmed by published transcriptional studies. Disruption of this splice site has been observed in several individuals affected with clinical features of Marfan syndrome or thoracic aortic aneurysm and dissection (PMID: 25101912, Invitae). ClinVar contains an entry for this variant (Variation ID: 457210). This variant is not present in population databases (ExAC no frequency). This sequence change affects an acceptor splice site in intron 35 of the FBN1 gene. It is expected to disrupt RNA splicing and likely results in an absent or disrupted protein product.

Literature cited by the submitters: PubMed 16199547; PubMed 17657824; PubMed 19293843; PubMed 25101912.

NM_000138.5(FBN1):c.4337-2A>T

Gene: FBN1 (fibrillin 1; minus strand). Cytogenetic location: 15q21.1.
Variant type: single nucleotide variant.
Coding change: c.4337-2A>T on transcript NM_000138.5 (MANE Select); the canonical splice acceptor site of the intron before coding-DNA position 4337, A replaced by T.
Molecular consequence: splice acceptor variant.
Genome position (GRCh38, 1-based): chr15:48,470,758, T>A on the plus strand (A>T on the coding strand, the complement: FBN1 is on the minus strand). VCF-style: chr15-48470758-T-A. GRCh37 (hg19) VCF-style: chr15-48762955-T-A.
Other names: c.4337-2A>T (NM_001406716.1).
Identifiers: ClinVar variation 457210 (VCV000457210.12), dbSNP rs794728216, ClinGen allele CA392354872.
Genomic context (GRCh38, chr15:48,470,758, plus strand): 5'-AGGGAGGTTGTGGCAAGTTCCAAAGACACAGATGTTCGGAAGGGAGCACTCATCAATATC[T>A]TGGGGGGAGGGAGAAAAAAGCAAAAAACTTAACTTATATTTTTCTAAAAAAAACCTGCCA-3'